The following is an entry in ClinVar:

NC_000016.9:g.(?_68857535)_68864666del

Gene: CDH1 (cadherin 1; plus strand).
Variant type: Deletion.
Identifiers: ClinVar variation 1072980 (VCV001072980.2).

ClinVar aggregate classification (germline): Pathogenic (1 of 4 stars; one submission).

Conditions:
Hereditary diffuse gastric adenocarcinoma (HDGC). Also called: DIFFUSE GASTRIC AND LOBULAR BREAST CANCER SYNDROME. Identifiers: Orphanet 26106, MedGen C1708349, MONDO:0007648, OMIM 137215.

Submission:

Labcorp Genetics (formerly Invitae), Labcorp
Classification: Pathogenic for Hereditary diffuse gastric adenocarcinoma. Last evaluated: 2019-03-08. Review status: criteria provided, single submitter. Criteria: Invitae Variant Classification Sherloc (09022015). Collection method: clinical testing. Allele origin: germline.
Comment: This variant is a sub-genic deletion of the genomic region encompassing exons 14-15 of the CDH1 gene. While this deletion is not anticipated to result in nonsense mediated decay, it is expected to create a truncated protein product. This variant has not been reported in the literature in individuals with CDH1-related conditions. This variant is expected to affect the C-terminal portion of the cytoplasmic domain of the CDH1 (E-cadherin) protein, which includes the binding domains for the PIP5K1C (phosphatidylinositol phosphate kinase, type I gamma) and CTNNB1 (beta-catenin) proteins (PMID: 22850631). Loss of these domains is expected to disrupt normal E-cadherin function. This suggests that deletion of this region of the CDH1 protein is causative of disease. Sub-genic deletion of exons 14-16 and exon 16 have been determined to be pathogenic (PMID:¬†PMID: 19168852, Invitae). Therefore, deletions that fully encompass that region are also expected to be pathogenic. For these reasons, this variant has been classified as Pathogenic.

Literature cited by the submitters: PubMed 22850631; PubMed 19168852.